The following is an entry in ClinVar:

ClinVar aggregate classification (germline): Uncertain significance (1 of 4 stars; one submission).

Allele frequency attached by ClinVar (database versions not stated): gnomAD exomes 0.00001.
gnomAD v4.1: 4 of 1,613,382 alleles (0.00025%); highest among the groups gnomAD compares: Non-Finnish European, 0.00034%; no homozygotes.

Submission:

Labcorp Genetics (formerly Invitae), Labcorp
Classification: Uncertain significance. Last evaluated: 2022-07-18. Review status: criteria provided, single submitter. Criteria: Invitae Variant Classification Sherloc (09022015). Collection method: clinical testing. Allele origin: germline.
Comment: This variant has not been reported in the literature in individuals affected with PCLO-related conditions. This variant is not present in population databases (gnomAD no frequency). This sequence change replaces leucine, which is neutral and non-polar, with arginine, which is basic and polar, at codon 3223 of the PCLO protein (p.Leu3223Arg). ClinVar contains an entry for this variant (Variation ID: 1401157). In summary, the available evidence is currently insufficient to determine the role of this variant in disease. Therefore, it has been classified as a Variant of Uncertain Significance. Algorithms developed to predict the effect of missense changes on protein structure and function are either unavailable or do not agree on the potential impact of this missense change (SIFT: "Deleterious"; PolyPhen-2: "Not Available"; Align-GVGD: "Class C0").

NM_033026.6(PCLO):c.9668T>G (p.Leu3223Arg)

Gene: PCLO (piccolo presynaptic cytomatrix protein; minus strand). Cytogenetic location: 7q21.11.
Variant type: single nucleotide variant.
Coding change: c.9668T>G on transcript NM_033026.6 (MANE Select); coding-DNA position 9668, T replaced by G.
Protein change: p.Leu3223Arg; replaces leucine 3223 with arginine.
Molecular consequence: missense variant.
Genome position (GRCh38, 1-based): chr7:82,950,920, A>C on the plus strand (T>G on the coding strand, the complement: PCLO is on the minus strand). VCF-style: chr7-82950920-A-C. GRCh37 (hg19) VCF-style: chr7-82580236-A-C.
Other names: c.9668T>G, p.Leu3223Arg (NM_014510.3); short protein forms L3223R.
Identifiers: ClinVar variation 1401157 (VCV001401157.8), dbSNP rs2116424065, ClinGen allele CA367907772.